The following is an entry in ClinVar:

ClinVar aggregate classification (germline): Uncertain significance. Review status: criteria provided, multiple submitters, no conflicts (2 of 4 stars). 2 submissions from 2 submitters: Uncertain significance (2). Last evaluated 2024-09-14.

Allele frequency attached by ClinVar (database versions not stated): ExAC 0.00001; gnomAD 0.00001; gnomAD exomes 0.00001.
gnomAD v4.1: 6 of 1,609,658 alleles (0.00037%); highest among the groups gnomAD compares: Non-Finnish European, 0.00042%; no homozygotes.

Submissions (2):

Blueprint Genetics
Classification: Uncertain significance. Last evaluated: 2024-09-14. Review status: criteria provided, single submitter. Criteria: ACMG Guidelines, 2015. Collection method: clinical testing. Allele origin: germline.

Labcorp Genetics (formerly Invitae), Labcorp
Classification: Uncertain significance. Last evaluated: 2021-02-22. Review status: criteria provided, single submitter. Criteria: Invitae Variant Classification Sherloc (09022015). Collection method: clinical testing. Allele origin: germline.
Comment: This sequence change replaces arginine with tryptophan at codon 391 of the RCBTB1 protein (p.Arg391Trp). The arginine residue is highly conserved and there is a moderate physicochemical difference between arginine and tryptophan. This variant is present in population databases (rs747267501, ExAC 0.002%). This variant has not been reported in the literature in individuals with RCBTB1-related conditions. Algorithms developed to predict the effect of missense changes on protein structure and function are either unavailable or do not agree on the potential impact of this missense change (SIFT: "Deleterious"; PolyPhen-2: "Probably Damaging"; Align-GVGD: "Class C0"). Algorithms developed to predict the effect of sequence changes on RNA splicing suggest that this variant may disrupt the consensus splice site, but this prediction has not been confirmed by published transcriptional studies. In summary, the available evidence is currently insufficient to determine the role of this variant in disease. Therefore, it has been classified as a Variant of Uncertain Significance.

NM_018191.4(RCBTB1):c.1171A>T (p.Arg391Trp)

Gene: RCBTB1 (RCC1 and BTB domain containing protein 1; minus strand). Cytogenetic location: 13q14.2.
Variant type: single nucleotide variant.
Coding change: c.1171A>T on transcript NM_018191.4 (MANE Select); coding-DNA position 1171, A replaced by T.
Protein change: p.Arg391Trp; replaces arginine 391 with tryptophan.
Molecular consequence: missense variant. On other transcripts: non-coding transcript variant (2).
Genome position (GRCh38, 1-based): chr13:49,544,738, T>A on the plus strand (A>T on the coding strand, the complement: RCBTB1 is on the minus strand). VCF-style: chr13-49544738-T-A. GRCh37 (hg19) VCF-style: chr13-50118874-T-A.
Other names: c.1171A>T, p.Arg391Trp (NM_001352500.2, NM_001352501.2, NM_001352502.2 and 2 more transcripts); c.592A>T, p.Arg198Trp (NM_001352506.2); short protein forms R198W, R391W.
Identifiers: ClinVar variation 957184 (VCV000957184.10), dbSNP rs747267501, ClinGen allele CA6982652.